The following is an entry in ClinVar:

ClinVar aggregate classification (germline): Pathogenic/Likely pathogenic. Review status: criteria provided, multiple submitters, no conflicts (2 of 4 stars). 5 submissions from 5 submitters: Pathogenic (3); Likely pathogenic (2). Last evaluated 2025-09-10.

Conditions:
Endometrial carcinoma. Also called: Endometrial carcinoma, somatic. Identifiers: MedGen C0476089, MONDO:0002447, OMIM 608089, HP:0012114.
Lynch syndrome 5 (LYNCH5). Also called: Hereditary non-polyposis colorectal cancer, type 5; Colorectal cancer, hereditary nonpolyposis, type 5. Identifiers: Orphanet 144, MedGen C1833477, MONDO:0013710, OMIM 614350. Disease mechanism: loss of function.
Hereditary cancer-predisposing syndrome. Also called: Hereditary neoplastic syndrome; Neoplastic Syndromes, Hereditary; Tumor predisposition; Hereditary Cancer Syndrome. Identifiers: Orphanet 140162, MedGen C0027672, MeSH D009386, MONDO:0015356.
Hereditary nonpolyposis colorectal neoplasms. Identifiers: MedGen C0009405, MeSH D003123.

Submissions (5):

Ambry Genetics
Classification: Pathogenic for Hereditary cancer-predisposing syndrome. Last evaluated: 2025-09-10. Review status: criteria provided, single submitter. Criteria: Ambry Variant Classification Scheme 2023. Collection method: clinical testing. Allele origin: germline.
Comment: The p.Y427* pathogenic mutation (also known as c.1281C>A), located in coding exon 4 of the MSH6 gene, results from a C to A substitution at nucleotide position 1281. This changes the amino acid from a tyrosine to a stop codon within coding exon 4. This variant is considered to be rare based on population cohorts in the Genome Aggregation Database (gnomAD). This alteration is expected to result in loss of function by premature protein truncation or nonsense-mediated mRNA decay. Based on the supporting evidence, this variant is interpreted as a disease-causing mutation.

Labcorp Genetics (formerly Invitae), Labcorp
Classification: Pathogenic for Hereditary nonpolyposis colorectal neoplasms. Last evaluated: 2025-05-21. Review status: criteria provided, single submitter. Criteria: Invitae Variant Classification Sherloc (09022015). Collection method: clinical testing. Allele origin: germline.
Comment: This sequence change creates a premature translational stop signal (p.Tyr427*) in the MSH6 gene. It is expected to result in an absent or disrupted protein product. Loss-of-function variants in MSH6 are known to be pathogenic (PMID: 18269114, 24362816). This variant is not present in population databases (gnomAD no frequency). This variant has not been reported in the literature in individuals affected with MSH6-related conditions. ClinVar contains an entry for this variant (Variation ID: 946768). For these reasons, this variant has been classified as Pathogenic.

Institute for Genomic Medicine (IGM) Clinical Laboratory, Nationwide Children's Hospital
Classification: Likely pathogenic for Hereditary cancer-predisposing syndrome. Last evaluated: 2025-04-04. Review status: criteria provided, single submitter. Criteria: ACMG Guidelines, 2015. Collection method: clinical testing. Allele origin: germline.
Comment: This variant is predicted to result in loss of function through nonsense-mediated decay of the encoded transcript or premature truncation of the encoded protein in a gene in which loss of function is a known mechanism of disease (ACMG/AMP: PVS1; PMIDs:18269114, 24362816). This variant is absent from or present at an exceedingly low frequency in gnomAD, a large-scale control population database (ACMG/AMP: PM2).

Baylor Genetics
Classification: Likely pathogenic for Endometrial carcinoma. Last evaluated: 2023-11-28. Review status: criteria provided, single submitter. Criteria: ACMG Guidelines, 2015. Collection method: clinical testing. Allele origin: unknown.

Myriad Genetics, Inc.
Classification: Pathogenic for Lynch syndrome 5. Last evaluated: 2023-08-11. Review status: criteria provided, single submitter. Criteria: Myriad Autosomal Dominant, Autosomal Recessive and X-Linked Classification Criteria (2023). Collection method: clinical testing. Allele origin: unknown.
Comment: This variant is considered pathogenic. This variant creates a termination codon and is predicted to result in premature protein truncation.

Literature cited by the submitters: PubMed 18269114 (cited by Labcorp Genetics (formerly Invitae), Labcorp and Institute for Genomic Medicine (IGM) Clinical Laboratory, Nationwide Children's Hospital); PubMed 24362816 (cited by Labcorp Genetics (formerly Invitae), Labcorp and Institute for Genomic Medicine (IGM) Clinical Laboratory, Nationwide Children's Hospital).

NM_000179.3(MSH6):c.1281C>A (p.Tyr427Ter)

Gene: MSH6 (mutS homolog 6; plus strand). Cytogenetic location: 2p16.3.
Variant type: single nucleotide variant.
Coding change: c.1281C>A on transcript NM_000179.3 (MANE Select); coding-DNA position 1281, C replaced by A.
Protein change: p.Tyr427Ter; replaces tyrosine 427 with a stop codon.
Molecular consequence: nonsense.
Genome position (GRCh38, 1-based): chr2:47,799,264, C>A. VCF-style: chr2-47799264-C-A. GRCh37 (hg19) VCF-style: chr2-48026403-C-A.
Other names: c.891C>A, p.Tyr297Ter (NM_001281492.2); c.375C>A, p.Tyr125Ter (NM_001281493.2, NM_001281494.2); short protein forms Y297*, Y125*, Y427*.
Identifiers: ClinVar variation 946768 (VCV000946768.13), dbSNP rs1553412720, ClinGen allele CA346744120.